The following is an entry in ClinVar:

ClinVar aggregate classification (germline): Conflicting classifications of pathogenicity. Review status: criteria provided, conflicting classifications (1 of 4 stars). 2 submissions from 2 submitters: Uncertain significance (1); Likely benign (1). Last evaluated 2022-08-23.

Conditions:
Colorectal cancer, hereditary nonpolyposis, type 7. Identifiers: Orphanet 144, MedGen C1858380, MONDO:0013725, OMIM 614385.

Allele frequency attached by ClinVar (database versions not stated): ESP Exome Variant Server 0.00008.
gnomAD v4.1: 2 of 1,613,940 alleles (0.00012%); highest among the groups gnomAD compares: Non-Finnish European, 0.00017%; no homozygotes.

Submissions (2):

Labcorp Genetics (formerly Invitae), Labcorp
Classification: Uncertain significance for Colorectal cancer, hereditary nonpolyposis, type 7. Last evaluated: 2022-08-23. Review status: criteria provided, single submitter. Criteria: Invitae Variant Classification Sherloc (09022015). Collection method: clinical testing. Allele origin: germline.
Comment: This sequence change replaces serine, which is neutral and polar, with leucine, which is neutral and non-polar, at codon 626 of the MLH3 protein (p.Ser626Leu). This variant is present in population databases (rs370383198, gnomAD 0.002%). This variant has not been reported in the literature in individuals affected with MLH3-related conditions. ClinVar contains an entry for this variant (Variation ID: 1518235). Algorithms developed to predict the effect of missense changes on protein structure and function output the following: SIFT: "Tolerated"; PolyPhen-2: "Benign"; Align-GVGD: "Class C0". The leucine amino acid residue is found in multiple mammalian species, which suggests that this missense change does not adversely affect protein function. In summary, the available evidence is currently insufficient to determine the role of this variant in disease. Therefore, it has been classified as a Variant of Uncertain Significance.

Ambry Genetics
Classification: Likely benign. Last evaluated: 2021-07-24. Review status: criteria provided, single submitter. Criteria: Ambry Variant Classification Scheme 2023. Collection method: clinical testing. Allele origin: germline.

NM_001040108.2(MLH3):c.1877C>T (p.Ser626Leu)

Gene: MLH3 (mutL homolog 3; minus strand). Cytogenetic location: 14q24.3.
Variant type: single nucleotide variant.
Coding change: c.1877C>T on transcript NM_001040108.2 (MANE Select); coding-DNA position 1877, C replaced by T.
Protein change: p.Ser626Leu; replaces serine 626 with leucine.
Molecular consequence: missense variant.
Genome position (GRCh38, 1-based): chr14:75,047,779, G>A on the plus strand (C>T on the coding strand, the complement: MLH3 is on the minus strand). VCF-style: chr14-75047779-G-A. GRCh37 (hg19) VCF-style: chr14-75514482-G-A.
Other names: c.1877C>T, p.Ser626Leu (NM_014381.3); short protein forms S626L.
Identifiers: ClinVar variation 1518235 (VCV001518235.10), dbSNP rs370383198, ClinGen allele CA7275801.